The following is an entry in ClinVar:

NM_025074.7(FRAS1):c.6010+9C>G

Gene: FRAS1 (Fraser extracellular matrix complex subunit 1; plus strand). Cytogenetic location: 4q21.21.
Variant type: single nucleotide variant.
Coding change: c.6010+9C>G on transcript NM_025074.7 (MANE Select); 9 bases into the intron after coding-DNA position 6010, C replaced by G.
Molecular consequence: intron variant.
Genome position (GRCh38, 1-based): chr4:78,446,889, C>G. VCF-style: chr4-78446889-C-G. GRCh37 (hg19) VCF-style: chr4-79368043-C-G.
Identifiers: ClinVar variation 2860955 (VCV002860955.3), dbSNP rs376252971, ClinGen allele CA2578123934.

ClinVar aggregate classification (germline): Uncertain significance (1 of 4 stars; one submission).

Submission:

Labcorp Genetics (formerly Invitae), Labcorp
Classification: Uncertain significance. Last evaluated: 2023-08-24. Review status: criteria provided, single submitter. Criteria: Invitae Variant Classification Sherloc (09022015). Collection method: clinical testing. Allele origin: germline.
Comment: In summary, the available evidence is currently insufficient to determine the role of this variant in disease. Therefore, it has been classified as a Variant of Uncertain Significance. Algorithms developed to predict the effect of sequence changes on RNA splicing suggest that this variant may disrupt the consensus splice site. This variant has not been reported in the literature in individuals affected with FRAS1-related conditions. This variant is not present in population databases (gnomAD no frequency). This sequence change falls in intron 43 of the FRAS1 gene. It does not directly change the encoded amino acid sequence of the FRAS1 protein.